The following is an entry in ClinVar:

NM_015335.5(MED13L):c.3917C>A (p.Ser1306Tyr)

Gene: MED13L (mediator complex subunit 13L; minus strand). Cytogenetic location: 12q24.21.
Variant type: single nucleotide variant.
Coding change: c.3917C>A on transcript NM_015335.5 (MANE Select); coding-DNA position 3917, C replaced by A.
Protein change: p.Ser1306Tyr; replaces serine 1306 with tyrosine.
Molecular consequence: missense variant.
Genome position (GRCh38, 1-based): chr12:115,991,037, G>T on the plus strand (C>A on the coding strand, the complement: MED13L is on the minus strand). VCF-style: chr12-115991037-G-T. GRCh37 (hg19) VCF-style: chr12-116428842-G-T.
Other names: short protein forms S1306Y.
Identifiers: ClinVar variation 4811490 (VCV004811490.1).

ClinVar aggregate classification (germline): Uncertain significance (1 of 4 stars; one submission).

Conditions:
Dextro-looped transposition of the great arteries. Also called: Dextrotransposition of the great arteries. Identifiers: Orphanet 860, MedGen C3531771, MONDO:0019443, OMIM 608808, HP:0031348.

Submission:

Labcorp Genetics (formerly Invitae), Labcorp
Classification: Uncertain significance for Dextro-looped transposition of the great arteries. Last evaluated: 2025-11-28. Review status: criteria provided, single submitter. Criteria: Invitae Variant Classification Sherloc (09022015). Collection method: clinical testing. Allele origin: germline.
Comment: This sequence change replaces serine, which is neutral and polar, with tyrosine, which is neutral and polar, at codon 1306 of the MED13L protein (p.Ser1306Tyr). This variant is not present in population databases (gnomAD no frequency). This variant has not been reported in the literature in individuals affected with MED13L-related conditions. Invitae Evidence Modeling of protein sequence and biophysical properties (such as structural, functional, and spatial information, amino acid conservation, physicochemical variation, residue mobility, and thermodynamic stability) indicates that this missense variant is not expected to disrupt MED13L protein function with a negative predictive value of 80%. In summary, the available evidence is currently insufficient to determine the role of this variant in disease. Therefore, it has been classified as a Variant of Uncertain Significance.